The following is an entry in ClinVar:

NM_022124.6(CDH23):c.4520G>A (p.Arg1507Gln)

Gene: CDH23 (cadherin related 23; plus strand). Cytogenetic location: 10q22.1.
Variant type: single nucleotide variant.
Coding change: c.4520G>A on transcript NM_022124.6 (MANE Select); coding-DNA position 4520, G replaced by A.
Protein change: p.Arg1507Gln; replaces arginine 1507 with glutamine.
Molecular consequence: missense variant.
Genome position (GRCh38, 1-based): chr10:71,740,853, G>A. VCF-style: chr10-71740853-G-A. GRCh37 (hg19) VCF-style: chr10-73500610-G-A.
Other names: short protein forms R1507Q.
Identifiers: ClinVar variation 879773 (VCV000879773.13), dbSNP rs373480195, ClinGen allele CA5545083.

ClinVar aggregate classification (germline): Uncertain significance. Review status: criteria provided, multiple submitters, no conflicts (2 of 4 stars). 9 submissions from 8 submitters: Uncertain significance (8). 1 of the submissions does not count toward it. Last evaluated 2026-05-27.

Conditions:
Usher syndrome type 1 (USH1). Also called: RETINITIS PIGMENTOSA AND CONGENITAL DEAFNESS. Identifiers: Orphanet 231169, Orphanet 886, MedGen C1568247, MONDO:0010168, OMIM 276900.
Usher syndrome type 1D (USH1D). Also called: USHER SYNDROME, TYPE ID. Identifiers: Orphanet 231169, Orphanet 886, MedGen C1832845, MONDO:0010984, OMIM 601067.
CDH23-related disorder. Also called: CDH23-related disorders; CDH23-related condition.
Autosomal recessive nonsyndromic hearing loss 12. Also called: DEAFNESS, AUTOSOMAL RECESSIVE 12. Identifiers: Orphanet 90636, MedGen C1832394, MONDO:0011067, OMIM 601386.
Pituitary adenoma 5, multiple types. Identifiers: MedGen C4539685, MONDO:0054601, OMIM 617540.

Allele frequency attached by ClinVar (database versions not stated): ExAC 0.00006; gnomAD exomes 0.00007; TOPMed 0.00015; ESP Exome Variant Server 0.00016; 1000 Genomes Project 0.00020.
gnomAD v4.1: 71 of 1,613,770 alleles (0.0044%); highest among the groups gnomAD compares: Middle Eastern, 0.13%; 1 homozygote.

Submissions (9):

PreventionGenetics, part of Exact Sciences
Classification: Uncertain significance for CDH23-related condition. Last evaluated: 2026-05-27. Review status: criteria provided, single submitter. Criteria: ACMG Guidelines, 2015. Collection method: clinical testing. Allele origin: germline.
Comment: The CDH23 c.4520G>A variant is predicted to result in the amino acid substitution p.Arg1507Gln. This variant was reported in the homozygous state in an individual with Usher syndrome (Ouyang et al. 2005. PubMed ID: 15660226). This variant is reported in 0.029% of alleles in individuals of African descent in gnomAD, including one homozygote in the more recent gnomAD v4.1.1 database. At this time, the clinical significance of this variant is uncertain due to the absence of conclusive functional and genetic evidence.

Blueprint Genetics
Classification: Uncertain significance. Last evaluated: 2024-11-07. Review status: criteria provided, single submitter. Criteria: ACMG Guidelines, 2015. Collection method: clinical testing. Allele origin: germline.

Women's Health and Genetics/Laboratory Corporation of America, LabCorp
Classification: Uncertain significance. Last evaluated: 2024-10-14. Review status: criteria provided, single submitter. Criteria: LabCorp Variant Classification Summary - May 2015. Collection method: clinical testing. Allele origin: germline.
Comment: Variant summary: CDH23 c.4520G>A (p.Arg1507Gln) results in a conservative amino acid change in the encoded protein sequence. Three of five in-silico tools predict a benign effect of the variant on protein function. The variant allele was found at a frequency of 6.8e-05 in 249110 control chromosomes. This frequency is not significantly higher than estimated for a pathogenic variant in CDH23 causing Usher Syndrome (6.8e-05 vs 0.0032), allowing no conclusion about variant significance. c.4520G>A has been reported in the literature in at least one homozygous individual affected with Usher Syndrome (Ouyang_2005). These data indicate that the variant may be associated with disease. To our knowledge, no experimental evidence demonstrating an impact on protein function has been reported, however a minigene splicing assay demonstrated the variant has no impact on normal splicing (Becirovic_2008). The following publications have been ascertained in the context of this evaluation (PMID: 15660226, 18273900). ClinVar contains an entry for this variant (Variation ID: 879773). Based on the evidence outlined above, the variant was classified as VUS-possibly pathogenic.

Labcorp Genetics (formerly Invitae), Labcorp
Classification: Uncertain significance. Last evaluated: 2022-07-09. Review status: criteria provided, single submitter. Criteria: Invitae Variant Classification Sherloc (09022015). Collection method: clinical testing. Allele origin: germline.
Comment: This sequence change replaces arginine, which is basic and polar, with glutamine, which is neutral and polar, at codon 1507 of the CDH23 protein (p.Arg1507Gln). This variant is present in population databases (rs373480195, gnomAD 0.03%). This missense change has been observed in individual(s) with Usher syndrome (PMID: 15660226). ClinVar contains an entry for this variant (Variation ID: 879773). Algorithms developed to predict the effect of missense changes on protein structure and function output the following: SIFT: "Tolerated"; PolyPhen-2: "Not Available"; Align-GVGD: "Class C0". The glutamine amino acid residue is found in multiple mammalian species, which suggests that this missense change does not adversely affect protein function. Algorithms developed to predict the effect of sequence changes on RNA splicing suggest that this variant may create or strengthen a splice site. In summary, the available evidence is currently insufficient to determine the role of this variant in disease. Therefore, it has been classified as a Variant of Uncertain Significance.

Fulgent Genetics
Classification: Uncertain significance for Usher syndrome type 1D; Autosomal recessive nonsyndromic hearing loss 12; Pituitary adenoma 5, multiple types. Last evaluated: 2021-08-03. Review status: criteria provided, single submitter. Criteria: ACMG Guidelines, 2015. Collection method: clinical testing. Allele origin: unknown.

Ocular Genomics Institute, Massachusetts Eye and Ear
Classification: Uncertain significance for Usher syndrome type 1D. Last evaluated: 2021-04-08. Review status: criteria provided, single submitter. Criteria: ACMG Guidelines, 2015. Collection method: research. Allele origin: germline. Affected: yes.
Comment: Through a review of available evidence we were able to apply the following criteria: PM2, PM3. Based on this evidence we have classified this variant as Variant of Uncertain Significance.

Illumina Laboratory Services, Illumina
Classification: Uncertain significance for Autosomal recessive nonsyndromic hearing loss 12. Last evaluated: 2017-04-28. Review status: criteria provided, single submitter. Criteria: ICSL Variant Classification Criteria 13 December 2019. Collection method: clinical testing. Allele origin: germline.

Illumina Laboratory Services, Illumina
Classification: Uncertain significance for Usher syndrome type 1D. Last evaluated: 2017-04-28. Review status: criteria provided, single submitter. Criteria: ICSL Variant Classification Criteria 13 December 2019. Collection method: clinical testing. Allele origin: germline.
Comment: This variant was observed as part of a predisposition screen in an ostensibly healthy population. A literature search was performed for the gene, cDNA change, and amino acid change (where applicable). Publications were found based on this search. However, the evidence from the literature, in combination with allele frequency data from public databases where available, was not sufficient to rule this variant in or out of causing disease. Therefore, this variant is classified as a variant of unknown significance.

Natera, Inc.
Classification: Uncertain significance for Usher syndrome type 1. Last evaluated: 2020-02-11. Review status: no assertion criteria provided. Collection method: clinical testing. Allele origin: germline. Not counted in ClinVar's aggregate classification.

Literature cited by the submitters: PubMed 15660226 (cited by 3 submitters); PubMed 18273900 (cited by Women's Health and Genetics/Laboratory Corporation of America, LabCorp and Illumina Laboratory Services, Illumina).